The following is an entry in ClinVar:

NM_002449.5(MSX2):c.379+7G>C

Gene: MSX2 (msh homeobox 2; plus strand). Cytogenetic location: 5q35.2.
Variant type: single nucleotide variant.
Coding change: c.379+7G>C on transcript NM_002449.5 (MANE Select); 7 bases into the intron after coding-DNA position 379, G replaced by C.
Molecular consequence: intron variant. On other transcripts: missense variant (1).
Genome position (GRCh38, 1-based): chr5:174,725,045, G>C. VCF-style: chr5-174725045-G-C. GRCh37 (hg19) VCF-style: chr5-174152048-G-C.
Other names: c.386G>C, p.Cys129Ser (NM_001363626.2); c.386G>C (NM_001363626.1); short protein forms C129S.
Identifiers: ClinVar variation 1528926 (VCV001528926.37), dbSNP rs569601106, ClinGen allele CA3565152.
Genomic context (GRCh38, chr5:174,725,045, plus strand): 5'-CAGAAGATGGAGCGGCGTGGATGCAGGAACCCGGCCGATATTCGCCGCCGCCAAGTGAGT[G>C]CGCGCCGGGGCAGGAGTAGGAGGTAGCGCGGGGTACTGGAGGGAGCGGGGGGCGGGTGTT-3'

ClinVar aggregate classification (germline): Likely benign. Review status: criteria provided, multiple submitters, no conflicts (2 of 4 stars). 3 submissions from 3 submitters: Likely benign (3). Last evaluated 2026-01-17.

Conditions:
Cranium bifidum occultum. Also called: CRANIUM BIFIDUM, HEREDITARY; Enlarged Parietal Foramina; CATLIN MARKS. Identifiers: MedGen C1868598, HP:0004423.
MSX2-related disorder. Also called: MSX2-related condition.

Allele frequency attached by ClinVar (database versions not stated): TOPMed 0.00005; ExAC 0.00006; gnomAD 0.00008.
gnomAD v4.1: 225 of 1,609,530 alleles (0.014%); highest among the groups gnomAD compares: Non-Finnish European, 0.018%; no homozygotes.

Submissions (3):

Labcorp Genetics (formerly Invitae), Labcorp
Classification: Likely benign for Cranium bifidum occultum. Last evaluated: 2026-01-17. Review status: criteria provided, single submitter. Criteria: Invitae Variant Classification Sherloc (09022015). Collection method: clinical testing. Allele origin: germline.

PreventionGenetics, part of Exact Sciences
Classification: Likely benign for MSX2-related condition. Last evaluated: 2025-11-18. Review status: criteria provided, single submitter. Criteria: ACMG Guidelines, 2015. Collection method: clinical testing. Allele origin: germline.
Comment: This variant is classified as likely benign based on ACMG/AMP sequence variant interpretation guidelines (Richards et al. 2015 PMID: 25741868, with internal and published modifications).

CeGaT Center for Human Genetics Tuebingen
Classification: Likely benign. Last evaluated: 2022-11-01. Review status: criteria provided, single submitter. Criteria: CeGaT Center For Human Genetics Tuebingen Variant Classification Criteria Version 2. Collection method: clinical testing. Allele origin: germline. Affected: yes. Observed: 1 variant allele.
Comment: MSX2: BP4